The following is an entry in ClinVar:

NM_006939.4(SOS2):c.1524C>G (p.His508Gln)

Gene: SOS2 (SOS Ras/Rho guanine nucleotide exchange factor 2; minus strand). Cytogenetic location: 14q21.3.
Variant type: single nucleotide variant.
Coding change: c.1524C>G on transcript NM_006939.4 (MANE Select); coding-DNA position 1524, C replaced by G.
Protein change: p.His508Gln; replaces histidine 508 with glutamine.
Molecular consequence: missense variant.
Genome position (GRCh38, 1-based): chr14:50,159,759, G>C on the plus strand (C>G on the coding strand, the complement: SOS2 is on the minus strand). VCF-style: chr14-50159759-G-C. GRCh37 (hg19) VCF-style: chr14-50626477-G-C.
Other names: c.1425C>G, p.His475Gln (NM_001411020.1); short protein forms H475Q, H508Q.
Identifiers: ClinVar variation 5030033 (VCV005030033.1).

ClinVar aggregate classification (germline): Uncertain significance (1 of 4 stars; one submission).

Conditions:
Cardiovascular phenotype. Identifiers: MedGen CN230736.

Submission:

Ambry Genetics
Classification: Uncertain significance for Cardiovascular phenotype. Last evaluated: 2026-08-22. Review status: criteria provided, single submitter. Criteria: Ambry Variant Classification Scheme 2023. Collection method: clinical testing. Allele origin: germline.
Comment: The p.H508Q variant (also known as c.1524C>G), located in coding exon 10 of the SOS2 gene, results from a C to G substitution at nucleotide position 1524. The histidine at codon 508 is replaced by glutamine, an amino acid with highly similar properties. This amino acid position is conserved. In addition, this alteration is predicted to be tolerated by in silico analysis. Based on the available evidence, the clinical significance of this variant remains unclear.